The following is an entry in ClinVar:

NM_000124.4(ERCC6):c.1233dup (p.Lys412fs)

Genes: ERCC6 (ERCC excision repair 6, chromatin remodeling factor; minus strand), PGBD3 (piggyBac transposable element derived 3; minus strand). Cytogenetic location: 10q11.23.
Variant type: Duplication.
Coding change: c.1233dup on transcript NM_000124.4 (MANE Select); coding-DNA position 1233, one base duplicated (G; older notation c.1233dupG).
Protein change: p.Lys412fs; shifts the reading frame from lysine 412.
Molecular consequence: frameshift variant. On other transcripts: 5 prime UTR variant (1).
Genome position (GRCh38, 1-based): chr10:49,524,197, C duplicated on the plus strand (G on the coding strand, the reverse complement: ERCC6 is on the minus strand); the first of 3 consecutive C bases (chr10:49,524,197-49,524,199); duplicating any one gives the same sequence. VCF-style (leftmost placement, unchanged base first): chr10-49524196-T-TC. GRCh37 (hg19) VCF-style: chr10-50732242-T-TC.
Other names: c.1233dup, p.Lys412fs (NM_001277058.2, NM_001277059.2, NM_001346440.2); c.-172dup (NM_170753.3); short protein forms K412fs.
Identifiers: ClinVar variation 5012245 (VCV005012245.1).

ClinVar aggregate classification (germline): Pathogenic (1 of 4 stars; one submission).

Conditions:
Cockayne spectrum with or without cerebrooculofacioskeletal syndrome. Identifiers: MedGen CN315928, MONDO:0100506.

Submission:

Myriad Genetics, Inc.
Classification: Pathogenic for Cockayne spectrum with or without cerebrooculofacioskeletal syndrome. Last evaluated: 2023-09-27. Review status: criteria provided, single submitter. Criteria: Myriad Autosomal Dominant, Autosomal Recessive and X-Linked Classification Criteria (2023). Collection method: clinical testing. Allele origin: unknown.
Comment: NM_000124.2(ERCC6):c.1233dupG(K412Efs*12) is expected to be pathogenic in the context of ERCC6-related disorders. This variant is predicted to lead to an abnormal or absent protein product due to the creation of a premature termination codon in ERCC6, a gene where loss-of-function variants are known to be pathogenic. Please note: this variant was assessed in the context of healthy population screening.